The following is an entry in ClinVar:

NM_000038.6(APC):c.4231_4233del (p.Ser1411del)

Gene: APC (APC regulator of Wnt signaling pathway; plus strand). Cytogenetic location: 5q22.2.
Variant type: Deletion.
Coding change: c.4231_4233del on transcript NM_000038.6 (MANE Select); coding-DNA positions 4231 to 4233, 3 bases deleted (AGT; older notation c.4231_4233delAGT).
Protein change: p.Ser1411del; deletes serine 1411.
Molecular consequence: non-coding transcript variant (on NR_176365.1).
Genome position (GRCh38, 1-based): chr5:112,839,825-112,839,827, AGT deleted. VCF-style (leftmost placement, unchanged base first): chr5-112839824-CAGT-C. GRCh37 (hg19) VCF-style: chr5-112175521-CAGT-C.
Other names: c.4231_4233del, p.Ser1411del (NM_001127510.3, NM_001354895.2, NM_001407450.1); c.4177_4179del, p.Ser1393del (NM_001127511.3); c.4285_4287del, p.Ser1429del (NM_001354896.2, NM_001407447.1, NM_001407448.1 and 1 more transcripts); c.4261_4263del, p.Ser1421del (NM_001354897.2); c.4156_4158del, p.Ser1386del (NM_001354898.2); c.4147_4149del, p.Ser1383del (NM_001354899.2); c.4108_4110del, p.Ser1370del (NM_001354900.2); c.4054_4056del, p.Ser1352del (NM_001354901.2, NM_001407453.1); and 11 more; short protein forms S1320del, S1411del, S1128del, S1251del, S1285del, S1328del, S1370del, S1383del.
Identifiers: ClinVar variation 3648760 (VCV003648760.2).
Genomic context (GRCh38, chr5:112,839,824, plus strand): 5'-CAGTTCACTTGATAGTTTTGAGAGTCGTTCGATTGCCAGCTCCGTTCAGAGTGAACCATG[CAGT>C]GGAATGGTAAGTGGCATTATAAGCCCCAGTGATCTTCCAGATAGCCCTGGACAAACCATG-3'

ClinVar aggregate classification (germline): Uncertain significance (1 of 4 stars; one submission).

Conditions:
Familial adenomatous polyposis 1 (FAP1). Also called: FAMILIAL ADENOMATOUS POLYPOSIS 1, ATTENUATED; POLYPOSIS, ADENOMATOUS INTESTINAL. Identifiers: MedGen C2713442, MONDO:0021056, OMIM 175100. Disease mechanism: loss of function.

Submission:

Labcorp Genetics (formerly Invitae), Labcorp
Classification: Uncertain significance for Familial adenomatous polyposis 1. Last evaluated: 2024-04-04. Review status: criteria provided, single submitter. Criteria: Invitae Variant Classification Sherloc (09022015). Collection method: clinical testing. Allele origin: germline.
Comment: This variant, c.4231_4233del, results in the deletion of 1 amino acid(s) of the APC protein (p.Ser1411del), but otherwise preserves the integrity of the reading frame. This variant is not present in population databases (gnomAD no frequency). This variant has not been reported in the literature in individuals affected with APC-related conditions. Experimental studies and prediction algorithms are not available or were not evaluated, and the functional significance of this variant is currently unknown. In summary, the available evidence is currently insufficient to determine the role of this variant in disease. Therefore, it has been classified as a Variant of Uncertain Significance.